The following is an entry in ClinVar:

NM_004855.5(PIGB):c.18dup (p.Lys7fs)

Genes: PIGB (phosphatidylinositol glycan anchor biosynthesis class B; plus strand), LOC130057104 (ATAC-STARR-seq lymphoblastoid active region 9443; plus strand). Cytogenetic location: 15q21.3.
Variant type: Duplication.
Coding change: c.18dup on transcript NM_004855.5 (MANE Select); coding-DNA position 18, one base duplicated (C; older notation c.18dupC).
Protein change: p.Lys7fs; shifts the reading frame from lysine 7.
Molecular consequence: frameshift variant.
Genome position (GRCh38, 1-based): chr15:55,319,268, C duplicated. VCF-style (leftmost placement, unchanged base first): chr15-55319267-G-GC. GRCh37 (hg19) VCF-style: chr15-55611465-G-GC.
Other names: short protein forms K7fs.
Identifiers: ClinVar variation 2992590 (VCV002992590.3), dbSNP rs756195113, ClinGen allele CA270774252.

ClinVar aggregate classification (germline): Pathogenic (1 of 4 stars; one submission).

Allele frequency attached by ClinVar (database versions not stated): gnomAD exomes below 0.00001; gnomAD 0.00001.

Submission:

Labcorp Genetics (formerly Invitae), Labcorp
Classification: Pathogenic. Last evaluated: 2026-02-03. Review status: criteria provided, single submitter. Criteria: Invitae Variant Classification Sherloc (09022015). Collection method: clinical testing. Allele origin: germline.
Comment: This sequence change creates a premature translational stop signal (p.Lys7Glnfs*80) in the PIGB gene. It is expected to result in an absent or disrupted protein product. Loss-of-function variants in PIGB are known to be pathogenic (PMID: 31256876, 34400385). This variant is present in population databases (rs756195113, gnomAD 0.02%). This variant has not been reported in the literature in individuals affected with PIGB-related conditions. ClinVar contains an entry for this variant (Variation ID: 2992590). For these reasons, this variant has been classified as Pathogenic.

Literature cited by the submitters: PubMed 31256876; PubMed 34400385.